The following is an entry in ClinVar:

NM_139057.4(ADAMTS17):c.1876G>C (p.Val626Leu)

Gene: ADAMTS17 (ADAM metallopeptidase with thrombospondin type 1 motif 17; minus strand). Cytogenetic location: 15q26.3.
Variant type: single nucleotide variant.
Coding change: c.1876G>C on transcript NM_139057.4 (MANE Select); coding-DNA position 1876, G replaced by C.
Protein change: p.Val626Leu; replaces valine 626 with leucine.
Molecular consequence: missense variant.
Genome position (GRCh38, 1-based): chr15:100,116,859, C>G on the plus strand (G>C on the coding strand, the complement: ADAMTS17 is on the minus strand). VCF-style: chr15-100116859-C-G. GRCh37 (hg19) VCF-style: chr15-100657064-C-G.
Other names: c.1876G>C (NM_139057.2); short protein forms V626L.
Identifiers: ClinVar variation 1397160 (VCV001397160.7), dbSNP rs761568437, ClinGen allele CA7758029.

ClinVar aggregate classification (germline): Uncertain significance. Review status: criteria provided, multiple submitters, no conflicts (2 of 4 stars). 2 submissions from 2 submitters: Uncertain significance (2). Last evaluated 2025-03-25.

Conditions:
Inborn genetic diseases. Identifiers: MedGen C0950123, MeSH D030342.

gnomAD v4.1: 9 of 1,614,028 alleles (0.00056%); highest among the groups gnomAD compares: African/African-American, 0.0053%; no homozygotes.

Submissions (2):

Ambry Genetics
Classification: Uncertain significance for Inborn genetic diseases. Last evaluated: 2025-03-25. Review status: criteria provided, single submitter. Criteria: Ambry Variant Classification Scheme 2023. Collection method: clinical testing. Allele origin: germline.

Labcorp Genetics (formerly Invitae), Labcorp
Classification: Uncertain significance. Last evaluated: 2024-10-14. Review status: criteria provided, single submitter. Criteria: Invitae Variant Classification Sherloc (09022015). Collection method: clinical testing. Allele origin: germline.
Comment: This sequence change replaces valine, which is neutral and non-polar, with leucine, which is neutral and non-polar, at codon 626 of the ADAMTS17 protein (p.Val626Leu). This variant is present in population databases (rs761568437, gnomAD 0.007%). This variant has not been reported in the literature in individuals affected with ADAMTS17-related conditions. ClinVar contains an entry for this variant (Variation ID: 1397160). An algorithm developed to predict the effect of missense changes on protein structure and function (PolyPhen-2) suggests that this variant is likely to be tolerated. In summary, the available evidence is currently insufficient to determine the role of this variant in disease. Therefore, it has been classified as a Variant of Uncertain Significance.